The following is an entry in ClinVar:

NM_001261826.3(AP3D1):c.2012C>T (p.Ala671Val)

Gene: AP3D1 (adaptor related protein complex 3 subunit delta 1; minus strand). Cytogenetic location: 19p13.3.
Variant type: single nucleotide variant.
Coding change: c.2012C>T on transcript NM_001261826.3 (MANE Select); coding-DNA position 2012, C replaced by T.
Protein change: p.Ala671Val; replaces alanine 671 with valine.
Molecular consequence: missense variant.
Genome position (GRCh38, 1-based): chr19:2,116,268, G>A on the plus strand (C>T on the coding strand, the complement: AP3D1 is on the minus strand). VCF-style: chr19-2116268-G-A. GRCh37 (hg19) VCF-style: chr19-2116267-G-A.
Other names: c.2012C>T, p.Ala671Val (NM_001374799.1, NM_003938.8); c.2012C>T (NM_003938.5); short protein forms A671V.
Identifiers: ClinVar variation 1948527 (VCV001948527.6), dbSNP rs771663760, ClinGen allele CA9059064.
Genomic context (GRCh38, chr19:2,116,268, plus strand): 5'-TTCTGTGGCGATGGCGAGCTCTTGATGTAGAAGGGGTTGTTGGCCTGCTCCTGCTTCCGG[G>A]CCTCTCGGCGCTGTGGGACACAGCTTGGCATGAGCCCGAGAGAAGCGGGCAGGATACCCC-3'
Protein context (NP_001248755.1, residues 661-681): DEEELARRRE[Ala671Val]RKQEQANNPF

ClinVar aggregate classification (germline): Uncertain significance. Review status: criteria provided, multiple submitters, no conflicts (2 of 4 stars). 2 submissions from 2 submitters: Uncertain significance (2). Last evaluated 2025-08-07.

Conditions:
Inborn genetic diseases. Identifiers: MedGen C0950123, MeSH D030342.

Allele frequency attached by ClinVar (database versions not stated): gnomAD 0.00004; TOPMed 0.00004.
gnomAD v4.1: 80 of 1,613,928 alleles (0.005%); highest among the groups gnomAD compares: Non-Finnish European, 0.0065%; no homozygotes.

Submissions (2):

Labcorp Genetics (formerly Invitae), Labcorp
Classification: Uncertain significance. Last evaluated: 2025-08-07. Review status: criteria provided, single submitter. Criteria: Invitae Variant Classification Sherloc (09022015). Collection method: clinical testing. Allele origin: germline.
Comment: This sequence change replaces alanine, which is neutral and non-polar, with valine, which is neutral and non-polar, at codon 671 of the AP3D1 protein (p.Ala671Val). This variant is present in population databases (rs771663760, gnomAD 0.003%). This variant has not been reported in the literature in individuals affected with AP3D1-related conditions. ClinVar contains an entry for this variant (Variation ID: 1948527). An algorithm developed to predict the effect of missense changes on protein structure and function (PolyPhen-2) suggests that this variant is likely to be tolerated. In summary, the available evidence is currently insufficient to determine the role of this variant in disease. Therefore, it has been classified as a Variant of Uncertain Significance.

Ambry Genetics
Classification: Uncertain significance for Inborn genetic diseases. Last evaluated: 2024-04-09. Review status: criteria provided, single submitter. Criteria: Ambry Variant Classification Scheme 2023. Collection method: clinical testing. Allele origin: germline.